The following is an entry in ClinVar:

NM_002691.4(POLD1):c.3176A>C (p.Gln1059Pro)

Gene: POLD1 (DNA polymerase delta 1, catalytic subunit; plus strand). Cytogenetic location: 19q13.33.
Variant type: single nucleotide variant.
Coding change: c.3176A>C on transcript NM_002691.4 (MANE Select); coding-DNA position 3176, A replaced by C.
Protein change: p.Gln1059Pro; replaces glutamine 1059 with proline.
Molecular consequence: missense variant. On other transcripts: non-coding transcript variant (1).
Genome position (GRCh38, 1-based): chr19:50,417,227, A>C. VCF-style: chr19-50417227-A-C. GRCh37 (hg19) VCF-style: chr19-50920484-A-C.
Other names: c.3176A>C, p.Gln1059Pro (NM_001256849.1); c.3254A>C, p.Gln1085Pro (NM_001308632.1); short protein forms Q1059P, Q1085P.
Identifiers: ClinVar variation 3421976 (VCV003421976.1).
Genomic context (GRCh38, chr19:50,417,227, plus strand): 5'-CCCAGGTATCCCATCTGAATGCCCTGGAGGAGCGCTTCTCGCGCCTCTGGACGCAGTGCC[A>C]GCGCTGCCAGGGCAGCCTGCACGAGGACGTCATCTGCACCAGGTGTGTGCCATGTCCCGA-3'
Protein context (NP_002682.2, residues 1049-1069): ERFSRLWTQC[Gln1059Pro]RCQGSLHEDV

ClinVar aggregate classification (germline): Uncertain significance (1 of 4 stars; one submission).

Conditions:
Hereditary cancer-predisposing syndrome. Also called: Neoplastic Syndromes, Hereditary; Tumor predisposition; Hereditary Cancer Syndrome; Hereditary neoplastic syndrome. Identifiers: Orphanet 140162, MedGen C0027672, MeSH D009386, MONDO:0015356.

Submission:

Ambry Genetics
Classification: Uncertain significance for Hereditary cancer-predisposing syndrome. Last evaluated: 2024-09-08. Review status: criteria provided, single submitter. Criteria: Ambry Variant Classification Scheme 2023. Collection method: clinical testing. Allele origin: germline.
Comment: The p.Q1059P variant (also known as c.3176A>C), located in coding exon 25 of the POLD1 gene, results from an A to C substitution at nucleotide position 3176. The glutamine at codon 1059 is replaced by proline, an amino acid with similar properties. This amino acid position is conserved. In addition, the in silico prediction for this alteration is inconclusive. Based on the available evidence, the clinical significance of this variant remains unclear.